The following is an entry in ClinVar:

NM_020884.7(MYH7B):c.3398G>A (p.Arg1133Gln)

Gene: MYH7B (myosin heavy chain 7B; plus strand). Cytogenetic location: 20q11.22.
Variant type: single nucleotide variant.
Coding change: c.3398G>A on transcript NM_020884.7 (MANE Select); coding-DNA position 3398, G replaced by A.
Protein change: p.Arg1133Gln; replaces arginine 1133 with glutamine.
Molecular consequence: missense variant.
Genome position (GRCh38, 1-based): chr20:34,997,291, G>A. VCF-style: chr20-34997291-G-A. GRCh37 (hg19) VCF-style: chr20-33585094-G-A.
Other names: c.3524G>A (NM_020884.4); short protein forms R1133Q.
Identifiers: ClinVar variation 2069895 (VCV002069895.5), dbSNP rs767927138, ClinGen allele CA9827722.

ClinVar aggregate classification (germline): Uncertain significance. Review status: criteria provided, multiple submitters, no conflicts (2 of 4 stars). 2 submissions from 2 submitters: Uncertain significance (2). Last evaluated 2025-05-05.

Conditions:
MYH7B-related disorder. Also called: MYH7B-related condition.

Allele frequency attached by ClinVar (database versions not stated): gnomAD 0.00002; TOPMed 0.00004; ExAC 0.00006.
gnomAD v4.1: 17 of 1,555,302 alleles (0.0011%); highest among the groups gnomAD compares: Admixed American, 0.017%; no homozygotes.

Submissions (2):

Labcorp Genetics (formerly Invitae), Labcorp
Classification: Uncertain significance. Last evaluated: 2025-05-05. Review status: criteria provided, single submitter. Criteria: Invitae Variant Classification Sherloc (09022015). Collection method: clinical testing. Allele origin: germline.
Comment: This sequence change replaces arginine, which is basic and polar, with glutamine, which is neutral and polar, at codon 1175 of the MYH7B protein (p.Arg1175Gln). This variant is present in population databases (rs767927138, gnomAD 0.03%). This variant has not been reported in the literature in individuals affected with MYH7B-related conditions. ClinVar contains an entry for this variant (Variation ID: 2069895). Invitae Evidence Modeling of protein sequence and biophysical properties (such as structural, functional, and spatial information, amino acid conservation, physicochemical variation, residue mobility, and thermodynamic stability) indicates that this missense variant is not expected to disrupt MYH7B protein function with a negative predictive value of 80%. In summary, the available evidence is currently insufficient to determine the role of this variant in disease. Therefore, it has been classified as a Variant of Uncertain Significance.

PreventionGenetics, part of Exact Sciences
Classification: Uncertain significance for MYH7B-related condition. Last evaluated: 2025-03-12. Review status: criteria provided, single submitter. Criteria: ACMG Guidelines, 2015. Collection method: clinical testing. Allele origin: germline.
Comment: The MYH7B c.3524G>A variant is predicted to result in the amino acid substitution p.Arg1175Gln. To our knowledge, this variant has not been reported in the literature. This variant is reported in 0.028% of alleles in individuals of Latino descent in gnomAD. At this time, the clinical significance of this variant is uncertain due to the absence of conclusive functional and genetic evidence.